The following is an entry in ClinVar:

NM_003849.4(SUCLG1):c.152_153del (p.Tyr51fs)

Gene: SUCLG1 (succinate-CoA ligase GDP/ADP-forming subunit alpha; minus strand). Cytogenetic location: 2p11.2.
Variant type: Deletion.
Coding change: c.152_153del on transcript NM_003849.4 (MANE Select); coding-DNA positions 152 to 153, 2 bases deleted (AT; older notation c.152_153delAT).
Protein change: p.Tyr51fs; shifts the reading frame from tyrosine 51.
Molecular consequence: frameshift variant.
Genome position (GRCh38, 1-based): chr2:84,449,697-84,449,698, AT deleted on the plus strand (AT on the coding strand, the reverse complement: SUCLG1 is on the minus strand); deleting any 2 consecutive bases within chr2:84,449,697-84,449,699 gives the same sequence; the c. name uses the placement nearest the transcript's 3' end. VCF-style (leftmost placement, unchanged base first): chr2-84449696-CAT-C. GRCh37 (hg19) VCF-style: chr2-84676820-CAT-C.
Other names: short protein forms Y51fs.
Identifiers: ClinVar variation 632365 (VCV000632365.7), dbSNP rs1308442327, ClinGen allele CA893855647.
Genomic context (GRCh38, chr2:84,449,696, plus strand): 5'-TAGATATACATACCTGTTTGCCAGTGAAACCCTGGCAAATAATCTTTGTATTTTTATCAA[CAT>C]AGAGATGTTGCCGAGAAGCTGTGTAGGAACAATGCCGAATTCCATTCTGCGGCACTAAGA-3'

ClinVar aggregate classification (germline): Pathogenic. Review status: criteria provided, single submitter (1 of 4 stars). 2 submissions from 2 submitters: Pathogenic (1). 1 of the submissions does not count toward it.

Conditions:
Mitochondrial DNA depletion syndrome 9 (MTDPS9). Also called: SUCLG1-Related Mitochondrial DNA Depletion Syndrome, Encephalomyopathic Form with Methylmalonic Aciduria. Identifiers: Orphanet 17, MedGen C3151476, MONDO:0009504, OMIM 245400.

Submissions (2):

Juno Genomics, Hangzhou Juno Genomics, Inc
Classification: Pathogenic for Mitochondrial DNA depletion syndrome 9. Review status: criteria provided, single submitter. Criteria: ACMG Guidelines, 2015. Collection method: clinical testing. Allele origin: germline.
Comment: Absent from controls (or at extremely low frequency if recessive) in Genome Aggregation Database.;Null variant in a gene where loss of function (LOF) is a known mechanism of disease.;For recessive disorders, detected in trans with a pathogenic variant.;Co-segregation with disease in multiple affected family members.

OMIM
Classification: Pathogenic for MITOCHONDRIAL DNA DEPLETION SYNDROME 9 (ENCEPHALOMYOPATHIC TYPE WITH METHYLMALONIC ACIDURIA). Last evaluated: 2007-08-01. Review status: no assertion criteria provided. Collection method: literature only. Allele origin: germline. Not counted in ClinVar's aggregate classification.

Literature cited by the submitters: PubMed 17668387 (cited by OMIM).